The following is an entry in ClinVar:

ClinVar aggregate classification (germline): Uncertain significance. Review status: criteria provided, multiple submitters, no conflicts (2 of 4 stars). 4 submissions from 4 submitters: Uncertain significance (4). Last evaluated 2025-05-20.

Conditions:
Hypercholesterolemia, autosomal dominant, 3 (FHCL3). Also called: Familial Hypercholesterolemia, Autosomal Dominant, 3; PCSK9-Related Familial Hypercholesterolemia, Autosomal Dominant; Familial hypercholesterolemia 3. Identifiers: MedGen C1863551, MONDO:0011369, OMIM 603776.
Cardiovascular phenotype. Identifiers: MedGen CN230736.
Familial hypercholesterolemia. Also called: Familial hypercholesterolemias; Familial hypercholesterolaemia. Identifiers: MedGen C0020445, MONDO:0005439.

Allele frequency attached by ClinVar (database versions not stated): gnomAD exomes below 0.00001; TOPMed below 0.00001; gnomAD 0.00001.
gnomAD v4.1: 3 of 1,613,054 alleles (0.00019%); highest among the groups gnomAD compares: Non-Finnish European, 0.00017%; no homozygotes.

Submissions (4):

GeneDx
Classification: Uncertain significance. Last evaluated: 2025-05-20. Review status: criteria provided, single submitter. Criteria: GeneDx Variant Classification Process June 2021. Collection method: clinical testing. Allele origin: germline. Affected: yes.
Comment: Not observed at significant frequency in large population cohorts (gnomAD); In silico analysis supports that this missense variant has a deleterious effect on protein structure/function; Has not been previously published as pathogenic or benign to our knowledge

Color Diagnostics, LLC DBA Color Health
Classification: Uncertain significance for Familial hypercholesterolemia. Last evaluated: 2023-12-05. Review status: criteria provided, single submitter. Criteria: ACMG Guidelines, 2015. Collection method: clinical testing. Allele origin: germline.
Comment: Variant of Uncertain Significance due to insufficient evidence: This missense variant is located in the catalytic peptidase domain of the PCSK9 protein. Computational prediction tools and conservation analyses are inconclusive regarding the impact of this variant on the protein function. Computational splicing tools suggest that this variant may not impact the RNA splicing. To our knowledge, functional assays have not been performed for this variant nor has the variant been reported in individuals affected with familial hypercholesterolemia in the literature. This variant is rare in the general population and has been identified in 0/277264 chromosomes by the Genome Aggregation Database (gnomAD). Available evidence is insufficient to determine the pathogenicity of this variant conclusively.

Ambry Genetics
Classification: Uncertain significance for Cardiovascular phenotype. Last evaluated: 2022-07-19. Review status: criteria provided, single submitter. Criteria: Ambry Variant Classification Scheme 2023. Collection method: clinical testing. Allele origin: germline.
Comment: The p.A242T variant (also known as c.724G>A), located in coding exon 5 of the PCSK9 gene, results from a G to A substitution at nucleotide position 724. The alanine at codon 242 is replaced by threonine, an amino acid with similar properties. This amino acid position is conserved. In addition, this alteration is predicted to be deleterious by in silico analysis. Since supporting evidence is limited at this time, the clinical significance of this alteration remains unclear.

Fulgent Genetics
Classification: Uncertain significance for Hypercholesterolemia, autosomal dominant, 3. Last evaluated: 2021-08-26. Review status: criteria provided, single submitter. Criteria: ACMG Guidelines, 2015. Collection method: clinical testing. Allele origin: unknown.

NM_174936.4(PCSK9):c.724G>A (p.Ala242Thr)

Gene: PCSK9 (proprotein convertase subtilisin/kexin type 9; plus strand). Cytogenetic location: 1p32.3.
Variant type: single nucleotide variant.
Coding change: c.724G>A on transcript NM_174936.4 (MANE Select); coding-DNA position 724, G replaced by A.
Protein change: p.Ala242Thr; replaces alanine 242 with threonine.
Molecular consequence: missense variant.
Genome position (GRCh38, 1-based): chr1:55,052,716, G>A. VCF-style: chr1-55052716-G-A. GRCh37 (hg19) VCF-style: chr1-55518389-G-A.
Other names: c.847G>A, p.Ala283Thr (NM_001407240.1); c.724G>A, p.Ala242Thr (NM_001407241.1, NM_001407244.1, NM_001407247.1); c.727G>A, p.Ala243Thr (NM_001407242.1); c.667G>A, p.Ala223Thr (NM_001407243.1); c.532G>A, p.Ala178Thr (NM_001407245.1); c.349G>A, p.Ala117Thr (NM_001407246.1); short protein forms A242T, A117T, A243T, A283T, A178T, A223T.
Identifiers: ClinVar variation 630658 (VCV000630658.9), dbSNP rs1238510123, ClinGen allele CA340473989.
Genomic context (GRCh38, chr1:55,052,716, plus strand): 5'-AAGTGTGACAGTCATGGCACCCACCTGGCAGGGGTGGTCAGCGGCCGGGATGCCGGCGTG[G>A]CCAAGGGTGCCAGCATGCGCAGCCTGCGCGTGCTCAACTGCCAAGGGAAGGGCACGGTTA-3'
Protein context (NP_777596.2, residues 232-252): GVVSGRDAGV[Ala242Thr]KGASMRSLRV